The following is an entry in ClinVar:

ClinVar aggregate classification (germline): Uncertain significance (1 of 4 stars; one submission).

Allele frequency attached by ClinVar (database versions not stated): ExAC 0.00003; gnomAD 0.00007; TOPMed 0.00008; 1000 Genomes Project 30x 0.00016.
gnomAD v4.1: 20 of 1,613,898 alleles (0.0012%); highest among the groups gnomAD compares: African/African-American, 0.017%; no homozygotes.

Submission:

Labcorp Genetics (formerly Invitae), Labcorp
Classification: Uncertain significance. Last evaluated: 2023-09-13. Review status: criteria provided, single submitter. Criteria: Invitae Variant Classification Sherloc (09022015). Collection method: clinical testing. Allele origin: germline.
Comment: This sequence change falls in intron 2 of the C6 gene. It does not directly change the encoded amino acid sequence of the C6 protein. It affects a nucleotide within the consensus splice site. In summary, the available evidence is currently insufficient to determine the role of this variant in disease. Therefore, it has been classified as a Variant of Uncertain Significance. Variants that disrupt the consensus splice site are a relatively common cause of aberrant splicing (PMID: 17576681, 9536098). Algorithms developed to predict the effect of sequence changes on RNA splicing suggest that this variant may disrupt the consensus splice site. ClinVar contains an entry for this variant (Variation ID: 2196572). This variant has not been reported in the literature in individuals affected with C6-related conditions. This variant is present in population databases (rs745693735, gnomAD 0.02%).

Literature cited by the submitters: PubMed 17576681; PubMed 9536098.

NM_000065.5(C6):c.143+5G>C

Gene: C6 (complement C6; minus strand). Cytogenetic location: 5p13.1.
Variant type: single nucleotide variant.
Coding change: c.143+5G>C on transcript NM_000065.5 (MANE Select); 5 bases into the intron after coding-DNA position 143, G replaced by C.
Molecular consequence: intron variant.
Genome position (GRCh38, 1-based): chr5:41,203,083, C>G on the plus strand (G>C on the coding strand, the complement: C6 is on the minus strand). VCF-style: chr5-41203083-C-G. GRCh37 (hg19) VCF-style: chr5-41203185-C-G.
Other names: c.143+5G>C (NM_001115131.4).
Identifiers: ClinVar variation 2196572 (VCV002196572.3), dbSNP rs745693735, ClinGen allele CA3252890.
Genomic context (GRCh38, chr5:41,203,083, plus strand): 5'-ATGTTGCTGACTTCATCCTTGAGTCCTTCCAGGACACAAAGAAAAGCCACAAAGCTCACA[C>G]CCACCTGTGTCTGCTCTGGGTTCCAGAATTGCAAGTTTTTGAGCAGCTGGTCCACTGAGT-3'